The following is an entry in ClinVar:

NM_001374736.1(DST):c.12441G>C (p.Glu4147Asp)

Genes: DST (dystonin; minus strand), LOC129996656 (ATAC-STARR-seq lymphoblastoid active region 24702; plus strand). Cytogenetic location: 6p12.1.
Variant type: single nucleotide variant.
Coding change: c.12441G>C on transcript NM_001374736.1 (MANE Select); coding-DNA position 12441, G replaced by C.
Protein change: p.Glu4147Asp; replaces glutamic acid 4147 with aspartic acid.
Molecular consequence: missense variant.
Genome position (GRCh38, 1-based): chr6:56,593,948, C>G on the plus strand (G>C on the coding strand, the complement: DST is on the minus strand). VCF-style: chr6-56593948-C-G. GRCh37 (hg19) VCF-style: chr6-56458746-C-G.
Other names: c.6084G>C, p.Glu2028Asp (NM_001144769.5); c.5670G>C, p.Glu1890Asp (NM_001144770.2); c.12441G>C, p.Glu4147Asp (NM_001374722.1); c.11808G>C, p.Glu3936Asp (NM_001374729.1); c.5550G>C, p.Glu1850Asp (NM_001374730.1, NM_001386100.1, NM_183380.4); c.12468G>C, p.Glu4156Asp (NM_001374734.1); c.4572G>C, p.Glu1524Asp (NM_015548.5); short protein forms E1890D, E3936D, E4156D, E1850D, E2028D, E1524D, E4147D.
Identifiers: ClinVar variation 1751471 (VCV001751471.4), dbSNP rs999481222, ClinGen allele CA139189643.
Genomic context (GRCh38, chr6:56,593,948, plus strand): 5'-GATGTCATCTGCACCTGCCTCCAGGTTTTCAAGTTCTTGTTCTGACTGCTGTAGCCAGTG[C>G]TCAAACTCGGTATAGTCAGCATCAAACTTTTCTAATTCTTCCTGCAGAGAGTGAGTTAAC-3'
Protein context (NP_001361665.1, residues 4137-4157): EKFDADYTEF[Glu4147Asp]HWLQQSEQEL

ClinVar aggregate classification (germline): Uncertain significance. Review status: criteria provided, multiple submitters, no conflicts (2 of 4 stars). 2 submissions from 2 submitters: Uncertain significance (2). Last evaluated 2022-04-21.

Conditions:
Inborn genetic diseases. Identifiers: MedGen C0950123, MeSH D030342.
Epidermolysis bullosa simplex 3, localized or generalized intermediate, with BP230 deficiency (EBS3). Also called: Epidermolysis bullosa simplex due to BP230 deficiency; Epidermolysis bullosa simplex, autosomal recessive 2. Identifiers: Orphanet 412181, MedGen C3809470, MONDO:0014180, OMIM 615425.
Hereditary sensory and autonomic neuropathy type 6. Also called: HSAN VI; Neuropathy, hereditary sensory and autonomic, type VI. Identifiers: Orphanet 314381, MedGen C3539003, MONDO:0013839, OMIM 614653.

Allele frequency attached by ClinVar (database versions not stated): gnomAD 0.00001; gnomAD exomes 0.00001; TOPMed 0.00007.
gnomAD v4.1: 9 of 1,613,736 alleles (0.00056%); highest among the groups gnomAD compares: African/African-American, 0.012%; no homozygotes.

Submissions (2):

Ambry Genetics
Classification: Uncertain significance for Inborn genetic diseases. Last evaluated: 2022-04-21. Review status: criteria provided, single submitter. Criteria: Ambry Variant Classification Scheme 2023. Collection method: clinical testing. Allele origin: germline.
Comment: The p.E2028D variant (also known as c.6084G>C), located in coding exon 42 of the DST gene, results from a G to C substitution at nucleotide position 6084. The glutamic acid at codon 2028 is replaced by aspartic acid, an amino acid with highly similar properties. This amino acid position is well conserved in available vertebrate species. In addition, this alteration is predicted to be tolerated by in silico analysis. Since supporting evidence is limited at this time, the clinical significance of this alteration remains unclear.

Labcorp Genetics (formerly Invitae), Labcorp
Classification: Uncertain significance for Epidermolysis bullosa simplex 3, localized or generalized intermediate, with BP230 deficiency; Hereditary sensory and autonomic neuropathy type 6. Last evaluated: 2021-12-09. Review status: criteria provided, single submitter. Criteria: Invitae Variant Classification Sherloc (09022015). Collection method: clinical testing. Allele origin: germline.
Comment: The DST gene has multiple clinically relevant transcripts. This variant occurs in alternate transcript NM_015548.4, and corresponds to NM_001723.5:c.*21569G>C in the primary transcript. This sequence change replaces glutamic acid, which is acidic and polar, with aspartic acid, which is acidic and polar, at codon 1524 of the DST protein (p.Glu1524Asp). This variant is present in population databases (no rsID available, gnomAD 0.02%). This variant has not been reported in the literature in individuals affected with DST-related conditions. Experimental studies and prediction algorithms are not available or were not evaluated, and the functional significance of this variant is currently unknown. In summary, the available evidence is currently insufficient to determine the role of this variant in disease. Therefore, it has been classified as a Variant of Uncertain Significance.